The following is an entry in ClinVar:

NM_002474.3(MYH11):c.4756C>G (p.Gln1586Glu)

Genes: NDE1 (nudE neurodevelopment protein 1; plus strand), MYH11 (myosin heavy chain 11; minus strand). Cytogenetic location: 16p13.11.
Variant type: single nucleotide variant.
Coding change: c.4756C>G on transcript NM_002474.3 (MANE Select); coding-DNA position 4756, C replaced by G.
Protein change: p.Gln1586Glu; replaces glutamine 1586 with glutamic acid.
Molecular consequence: missense variant. On other transcripts: intron variant (2).
Genome position (GRCh38, 1-based): chr16:15,720,874, G>C on the plus strand (C>G on the coding strand, the complement: MYH11 is on the minus strand). VCF-style: chr16-15720874-G-C. GRCh37 (hg19) VCF-style: chr16-15814731-G-C.
Other names: p.Q1586E:CAG>GAG; c.4777C>G, p.Gln1593Glu (NM_001040113.2, NM_001040114.2); c.4756C>G, p.Gln1586Glu (NM_022844.3); c.948-3317G>C (NM_001143979.2, NM_017668.3); short protein forms Q1586E, Q1593E.
Identifiers: ClinVar variation 201115 (VCV000201115.24), dbSNP rs794728680, ClinGen allele CA306682.

ClinVar aggregate classification (germline): Conflicting classifications of pathogenicity. Review status: criteria provided, conflicting classifications (1 of 4 stars). 8 submissions from 8 submitters: Uncertain significance (7); Likely benign (1). Last evaluated 2025-04-08.

Conditions:
Aortic aneurysm, familial thoracic 4 (AAT4). Also called: AORTIC ANEURYSM/AORTIC DISSECTION AND PATENT DUCTUS ARTERIOSUS. Identifiers: MedGen C1851504, MONDO:0007568, OMIM 132900.
Visceral myopathy 2. Identifiers: MedGen C5543466, MONDO:0859157, OMIM 619350.
Megacystis-microcolon-intestinal hypoperistalsis syndrome 2. Identifiers: MedGen C5543476, MONDO:0025708, OMIM 619351.
Familial thoracic aortic aneurysm and aortic dissection (TAAD). Also called: Thoracic aortic aneurysms and dissections. Identifiers: Orphanet 91387, MedGen C4707243, MONDO:0019625.

Allele frequency attached by ClinVar (database versions not stated): gnomAD 0.00001; gnomAD exomes 0.00001 and 0.00006; TOPMed 0.00002.
gnomAD v4.1: 85 of 1,613,784 alleles (0.0053%); highest among the groups gnomAD compares: Non-Finnish European, 0.0069%; no homozygotes.

Submissions (8):

Color Diagnostics, LLC DBA Color Health
Classification: Likely benign for Familial thoracic aortic aneurysm and aortic dissection. Last evaluated: 2025-04-08. Review status: criteria provided, single submitter. Criteria: ACMG Guidelines, 2015. Collection method: clinical testing. Allele origin: germline.

Labcorp Genetics (formerly Invitae), Labcorp
Classification: Uncertain significance for Aortic aneurysm, familial thoracic 4. Last evaluated: 2025-01-20. Review status: criteria provided, single submitter. Criteria: Invitae Variant Classification Sherloc (09022015). Collection method: clinical testing. Allele origin: germline.
Comment: This sequence change replaces glutamine, which is neutral and polar, with glutamic acid, which is acidic and polar, at codon 1593 of the MYH11 protein (p.Gln1593Glu). This variant is present in population databases (rs794728680, gnomAD 0.0009%). This variant has not been reported in the literature in individuals affected with MYH11-related conditions. ClinVar contains an entry for this variant (Variation ID: 201115). Invitae Evidence Modeling of protein sequence and biophysical properties (such as structural, functional, and spatial information, amino acid conservation, physicochemical variation, residue mobility, and thermodynamic stability) indicates that this missense variant is not expected to disrupt MYH11 protein function with a negative predictive value of 95%. In summary, the available evidence is currently insufficient to determine the role of this variant in disease. Therefore, it has been classified as a Variant of Uncertain Significance.

All of Us Research Program, National Institutes of Health
Classification: Uncertain significance for Familial thoracic aortic aneurysm and aortic dissection. Last evaluated: 2024-07-10. Review status: criteria provided, single submitter. Criteria: ACMG Guidelines, 2015. Collection method: clinical testing. Allele origin: germline. Inheritance: Autosomal dominant inheritance. Observed: 11 variant alleles, 11 heterozygotes.
Comment: This missense variant replaces glutamine with glutamic acid at codon 1593 of the MYH11 protein. Computational prediction suggests that this variant may not impact protein structure and function (internally defined REVEL score threshold <= 0.5, PMID: 27666373). To our knowledge, functional studies have not been reported for this variant. This variant has not been reported in individuals affected with cardiovascular disorders in the literature. This variant has been identified in 2/251386 chromosomes in the general population by the Genome Aggregation Database (gnomAD). The available evidence is insufficient to determine the role of this variant in disease conclusively. Therefore, this variant is classified as a Variant of Uncertain Significance.

This study involves interpretation of variants in research participants for the purpose of population health screening. Participant phenotype was not available at the time of variant classification. Additional details can be found in publication PMID: 35346344, PMCID: PMC8962531

Ambry Genetics
Classification: Uncertain significance for Familial thoracic aortic aneurysm and aortic dissection. Last evaluated: 2023-03-26. Review status: criteria provided, single submitter. Criteria: Ambry Variant Classification Scheme 2023. Collection method: clinical testing. Allele origin: germline.
Comment: The p.Q1586E variant (also known as c.4756C>G), located in coding exon 32 of the MYH11 gene, results from a C to G substitution at nucleotide position 4756. The glutamine at codon 1586 is replaced by glutamic acid, an amino acid with highly similar properties. This amino acid position is well conserved in available vertebrate species. In addition, this alteration is predicted to be tolerated by in silico analysis. Since supporting evidence is limited at this time, the clinical significance of this alteration remains unclear.

Fulgent Genetics
Classification: Uncertain significance for Aortic aneurysm, familial thoracic 4; Visceral myopathy 2; Megacystis-microcolon-intestinal hypoperistalsis syndrome 2. Last evaluated: 2021-08-26. Review status: criteria provided, single submitter. Criteria: ACMG Guidelines, 2015. Collection method: clinical testing. Allele origin: unknown.

GeneDx
Classification: Uncertain significance. Last evaluated: 2020-09-09. Review status: criteria provided, single submitter. Criteria: GeneDx Variant Classification Process June 2021. Collection method: clinical testing. Allele origin: germline. Affected: yes.
Comment: Has not been previously published as pathogenic or benign to our knowledge; Not observed at a significant frequency in large population cohorts (Lek et al., 2016); In silico analysis supports that this missense variant does not alter protein structure/function; Reported in ClinVar but additional evidence is not available (ClinVar Variant ID# 201115; Landrum et al., 2016)

CHEO Genetics Diagnostic Laboratory, Children's Hospital of Eastern Ontario
Classification: Uncertain significance for Familial thoracic aortic aneurysm and aortic dissection. Last evaluated: 2018-03-05. Review status: criteria provided, single submitter. Criteria: ACMG Guidelines, 2015. Collection method: clinical testing. Allele origin: germline.

Illumina Laboratory Services, Illumina
Classification: Uncertain significance for Aortic aneurysm, familial thoracic 4. Last evaluated: 2018-01-12. Review status: criteria provided, single submitter. Criteria: ICSL Variant Classification Criteria 13 December 2019. Collection method: clinical testing. Allele origin: germline.